The following is an entry in ClinVar:

ClinVar aggregate classification (germline): Uncertain significance. Review status: criteria provided, multiple submitters, no conflicts (2 of 4 stars). 2 submissions from 2 submitters: Uncertain significance (2). Last evaluated 2024-11-01.

Submissions (2):

CeGaT Center for Human Genetics Tuebingen
Classification: Uncertain significance. Last evaluated: 2024-11-01. Review status: criteria provided, single submitter. Criteria: CeGaT Center For Human Genetics Tuebingen Variant Classification Criteria Version 2. Collection method: clinical testing. Allele origin: germline. Affected: yes. Observed: 1 variant allele.
Comment: THSD1: PM2, BP4

Ambry Genetics
Classification: Uncertain significance. Last evaluated: 2021-07-06. Review status: criteria provided, single submitter. Criteria: Ambry Variant Classification Scheme 2023. Collection method: clinical testing. Allele origin: germline.

NM_018676.4(THSD1):c.1508C>T (p.Pro503Leu)

Gene: THSD1 (thrombospondin type 1 domain containing 1; minus strand). Cytogenetic location: 13q14.3.
Variant type: single nucleotide variant.
Coding change: c.1508C>T on transcript NM_018676.4 (MANE Select); coding-DNA position 1508, C replaced by T.
Protein change: p.Pro503Leu; replaces proline 503 with leucine.
Molecular consequence: missense variant.
Genome position (GRCh38, 1-based): chr13:52,378,462, G>A on the plus strand (C>T on the coding strand, the complement: THSD1 is on the minus strand). VCF-style: chr13-52378462-G-A. GRCh37 (hg19) VCF-style: chr13-52952597-G-A.
Other names: c.1349C>T, p.Pro450Leu (NM_199263.3); short protein forms P450L, P503L.
Identifiers: ClinVar variation 2234876 (VCV002234876.16), dbSNP rs1489214693, ClinGen allele CA388023112.